The following is an entry in ClinVar:

NM_000843.4(GRM6):c.1465_1466insAAGTGGGC (p.Ala489fs)

Genes: GRM6 (glutamate metabotropic receptor 6; minus strand), ZNF454 (zinc finger protein 454; plus strand). Cytogenetic location: 5q35.3.
Variant type: Insertion.
Coding change: c.1465_1466insAAGTGGGC on transcript NM_000843.4 (MANE Select); coding-DNA positions 1465 to 1466, AAGTGGGC inserted.
Protein change: p.Ala489fs; shifts the reading frame from alanine 489.
Molecular consequence: frameshift variant.
Genome position: GRCh38 VCF-style: chr5-178986872-G-GGCCCACTT. GRCh37 (hg19) VCF-style: chr5-178413873-G-GGCCCACTT.
Other names: short protein forms A489fs.
Identifiers: ClinVar variation 2017346 (VCV002017346.4), dbSNP rs2480381288, ClinGen allele CA2580074121.

ClinVar aggregate classification (germline): Pathogenic (1 of 4 stars; one submission).

Submission:

Labcorp Genetics (formerly Invitae), Labcorp
Classification: Pathogenic. Last evaluated: 2024-11-05. Review status: criteria provided, single submitter. Criteria: Invitae Variant Classification Sherloc (09022015). Collection method: clinical testing. Allele origin: germline.
Comment: This sequence change creates a premature translational stop signal (p.Ala489Glufs*46) in the GRM6 gene. It is expected to result in an absent or disrupted protein product. Loss-of-function variants in GRM6 are known to be pathogenic (PMID: 15781871, 16622103, 22008250). This variant is not present in population databases (gnomAD no frequency). This variant has not been reported in the literature in individuals affected with GRM6-related conditions. ClinVar contains an entry for this variant (Variation ID: 2017346). For these reasons, this variant has been classified as Pathogenic.

Literature cited by the submitters: PubMed 15781871; PubMed 16622103; PubMed 22008250.